The following is an entry in ClinVar:

ClinVar aggregate classification (germline): Uncertain significance (1 of 4 stars; one submission).

Conditions:
Progressive myoclonic epilepsy. Also called: Familial progressive myoclonic epilepsy; Myoclonus epilepsy; Progressive myoclonus epilepsy; Myoclonic Epilepsies, Progressive. Identifiers: Orphanet 308, Orphanet 98261, MedGen C0751778, MONDO:0020074.

Allele frequency attached by ClinVar (database versions not stated): TOPMed below 0.00001; gnomAD exomes 0.00001.
gnomAD v4.1: 12 of 1,224,512 alleles (0.00098%); highest among the groups gnomAD compares: Non-Finnish European, 0.0012%; no homozygotes.

Submission:

Labcorp Genetics (formerly Invitae), Labcorp
Classification: Uncertain significance for Progressive myoclonic epilepsy. Last evaluated: 2022-08-22. Review status: criteria provided, single submitter. Criteria: Invitae Variant Classification Sherloc (09022015). Collection method: clinical testing. Allele origin: germline.
Comment: In summary, the available evidence is currently insufficient to determine the role of this variant in disease. Therefore, it has been classified as a Variant of Uncertain Significance. Algorithms developed to predict the effect of missense changes on protein structure and function output the following: SIFT: "Tolerated"; PolyPhen-2: "Not Available"; Align-GVGD: "Class C0". The serine amino acid residue is found in multiple mammalian species, which suggests that this missense change does not adversely affect protein function. ClinVar contains an entry for this variant (Variation ID: 659007). This variant has not been reported in the literature in individuals affected with EPM2A-related conditions. This variant is not present in population databases (gnomAD no frequency). This sequence change replaces proline, which is neutral and non-polar, with serine, which is neutral and polar, at codon 11 of the EPM2A protein (p.Pro11Ser).

NM_005670.4(EPM2A):c.31C>T (p.Pro11Ser)

Genes: EPM2A (EPM2A glucan phosphatase, laforin; minus strand), EPM2A-DT (EPM2A divergent transcript; plus strand), LOC129997381 (ATAC-STARR-seq lymphoblastoid silent region 17642; plus strand). Cytogenetic location: 6q24.3.
Variant type: single nucleotide variant.
Coding change: c.31C>T on transcript NM_005670.4 (MANE Select); coding-DNA position 31, C replaced by T.
Protein change: p.Pro11Ser; replaces proline 11 with serine.
Molecular consequence: missense variant. On other transcripts: 5 prime UTR variant (3), intron variant (1).
Genome position (GRCh38, 1-based): chr6:145,735,468, G>A on the plus strand (C>T on the coding strand, the complement: EPM2A is on the minus strand). VCF-style: chr6-145735468-G-A. GRCh37 (hg19) VCF-style: chr6-146056604-G-A.
Other names: c.-639C>T (NM_001360071.2); c.-593C>T (NM_001368129.2); c.31C>T, p.Pro11Ser (NM_001368130.1, NM_001018041.2, NM_001360057.2); c.-337C>T (NM_001368131.1); c.-114+440C>T (NM_001360064.2); short protein forms P11S.
Identifiers: ClinVar variation 659007 (VCV000659007.11), dbSNP rs1583157330, ClinGen allele CA366188667.